The following is an entry in ClinVar:

ClinVar aggregate classification (germline): Likely benign (0 of 4 stars; one submission).

Conditions:
PLXNA4-related disorder. Also called: PLXNA4-related condition.

gnomAD v4.1: 19 of 1,614,038 alleles (0.0012%); highest among the groups gnomAD compares: Middle Eastern, 0.016%; no homozygotes.

Submission:

PreventionGenetics, part of Exact Sciences
Classification: Likely benign for PLXNA4-related condition. Last evaluated: 2021-10-05. Review status: no assertion criteria provided. Collection method: clinical testing. Allele origin: germline.
Comment: This variant is classified as likely benign based on ACMG/AMP sequence variant interpretation guidelines (Richards et al. 2015 PMID: 25741868, with internal and published modifications).

NM_020911.2(PLXNA4):c.948C>T (p.Ser316=)

Gene: PLXNA4 (plexin A4; minus strand). Cytogenetic location: 7q32.3.
Variant type: single nucleotide variant.
Coding change: c.948C>T on transcript NM_020911.2 (MANE Select); coding-DNA position 948, C replaced by T.
Protein change: p.Ser316=; no amino-acid change (serine 316 retained).
Molecular consequence: synonymous variant.
Genome position (GRCh38, 1-based): chr7:132,507,746, G>A on the plus strand (C>T on the coding strand, the complement: PLXNA4 is on the minus strand). VCF-style: chr7-132507746-G-A. GRCh37 (hg19) VCF-style: chr7-132192505-G-A.
Other names: c.948C>T, p.Ser316= (NM_001105543.2, NM_001393897.1, NM_181775.4).
Identifiers: ClinVar variation 3351899 (VCV003351899.1).